The following is an entry in ClinVar:

NM_005188.4(CBL):c.*1447A>G

Gene: CBL (Cbl proto-oncogene; plus strand). Cytogenetic location: 11q23.3.
Variant type: single nucleotide variant.
Coding change: c.*1447A>G on transcript NM_005188.4 (MANE Select); 1447 bases downstream of the stop codon, A replaced by G.
Molecular consequence: 3 prime UTR variant.
Genome position (GRCh38, 1-based): chr11:119,301,228, A>G. VCF-style: chr11-119301228-A-G. GRCh37 (hg19) VCF-style: chr11-119171938-A-G.
Identifiers: ClinVar variation 302804 (VCV000302804.5), dbSNP rs148077385, ClinGen allele CA10637386.

ClinVar aggregate classification (germline): Benign (1 of 4 stars; one submission).

Conditions:
CBL-related disorder. Also called: NOONAN SYNDROME-LIKE DISORDER WITHOUT JUVENILE MYELOMONOCYTIC LEUKEMIA; CBL MUTATION-ASSOCIATED SYNDROME; CBL SYNDROME. Identifiers: Orphanet 363972, MedGen C3150803, MONDO:0013308, OMIM 613563.

Allele frequency attached by ClinVar (database versions not stated): gnomAD exomes 0.00170; gnomAD 0.00548 and 0.00567; TOPMed 0.00610; 1000 Genomes Project 30x 0.00843; 1000 Genomes Project 0.00859.
gnomAD v4.1: 998 of 233,246 alleles (0.43%); highest among the groups gnomAD compares: South Asian, 1.7%; 10 homozygotes.

Submission:

Illumina Laboratory Services, Illumina
Classification: Benign for CBL-related disorder. Last evaluated: 2018-01-12. Review status: criteria provided, single submitter. Criteria: ICSL Variant Classification Criteria 13 December 2019. Collection method: clinical testing. Allele origin: germline.
Comment: This variant was observed in the ICSL laboratory as part of a predisposition screen in an ostensibly healthy population. It had not been previously curated by ICSL or reported in the Human Gene Mutation Database (HGMD: prior to June 1st, 2018), and was therefore a candidate for classification through an automated scoring system. Utilizing variant allele frequency, disease prevalence and penetrance estimates, and inheritance mode, an automated score was calculated to assess if this variant is too frequent to cause the disease. Based on the score and internal cut-off values, a variant classified as benign is not then subjected to further curation. The score for this variant resulted in a classification of benign for this disease.